The following is an entry in ClinVar:

NM_170707.4(LMNA):c.139G>C (p.Asp47His)

Gene: LMNA (lamin A/C; plus strand). Cytogenetic location: 1q22.
Variant type: single nucleotide variant.
Coding change: c.139G>C on transcript NM_170707.4 (MANE Select); coding-DNA position 139, G replaced by C.
Protein change: p.Asp47His; replaces aspartic acid 47 with histidine.
Molecular consequence: missense variant.
Genome position (GRCh38, 1-based): chr1:156,115,057, G>C. VCF-style: chr1-156115057-G-C. GRCh37 (hg19) VCF-style: chr1-156084848-G-C.
Other names: c.139G>C, p.Asp47His (NM_001282625.2, NM_001282626.2, NM_005572.4 and 1 more transcripts); short protein forms D47H.
Identifiers: ClinVar variation 66822 (VCV000066822.10), dbSNP rs267607608, ClinGen allele CA017185.

ClinVar aggregate classification (germline): Conflicting classifications of pathogenicity. Review status: criteria provided, conflicting classifications (1 of 4 stars). 3 submissions from 3 submitters: Pathogenic (1); Uncertain significance (1). 1 of the submissions does not count toward it. Last evaluated 2026-01-20.

Conditions:
Laminopathy. Also called: Laminopathies. Identifiers: Orphanet 98301, MedGen C5392094, MONDO:0021106.
Charcot-Marie-Tooth disease type 2. Also called: Charcot-Marie-Tooth type 2. Identifiers: Orphanet 64746, MedGen C0270914, MONDO:0018993.

Submissions (3):

Victorian Clinical Genetics Services, Murdoch Childrens Research Institute
Classification: Uncertain significance for Laminopathy. Last evaluated: 2026-01-20. Review status: criteria provided, single submitter. Criteria: ACMG Guidelines, 2015. Collection method: clinical testing. Allele origin: germline. Affected: yes.
Comment: This variant is classified as VUS-3A. Evidence in support of pathogenic classification: Variant is absent from gnomAD (v2, v3 and v4); Missense variant predicted to be damaging by in silico tool(s) or highly conserved with a major amino acid change. Additional information: Variant is predicted to result in a missense amino acid change from Asp to His; This variant is heterozygous; This gene is associated with both recessive and dominant disease (OMIM); Alternative amino acid change(s) at the same position are present in gnomAD (highest allele count: v4: 1 heterozygote(s), 0 homozygote(s)); Previous evidence of pathogenicity for this variant is inconclusive. This variant has been classified as a VUS by a clinical laboratory in ClinVar, and described in the literature in two individuals with phenotypes in keeping with Emery-Dreifuss muscular dystrophy, one of whom also presented with asymptomatic DCM (PMID: 18564364, PMID: 31127727); No published evidence of segregation with disease has been identified for this variant; No published functional evidence has been identified for this variant; Other missense variant(s) comparable to the one identified in this case have inconclusive previous evidence for pathogenicity. p.(Asp47Asn) and p.(Asp47Glu) have been reported as VUS by clinical laboratories in ClinVar. One individual was described in the literature with partial lipodystrophy, but no cardiac or neuromuscular involvement (PMID: 26775134, PMID: 28641778). Another change with a higher Grantham score (p.(Asp47Tyr), has been reported as pathogenic and as a VUS by a clinical laboratory in ClinVar, and reported in the literature in one individual with lipodystrophy (PMID: 17612587) and also in an individual with a premature aging syndrome (PMID: 36304657); Variant is located in the annotated filament domain (DECIPHER); Dominant negative, loss of function and gain of function are known mechanisms of disease in this gene. Some missense variants have been reported to result in a toxic gain of function or dominant negative and are associated with childhood-onset disease or skeletal muscle involvement, while other variants have been reported to result in a loss of function and haploinsufficiency, and are associated with adult-onset disease, cardiac disorders or myopathy (PMID: 17377071). - The condition associated with this gene has incomplete penetrance (PMID: 20301609); Variants in this gene are known to have variable expressivity (OMIM); Inheritance information for this variant is not currently available in this individual.

Labcorp Genetics (formerly Invitae), Labcorp
Classification: Pathogenic for Charcot-Marie-Tooth disease type 2. Last evaluated: 2026-01-01. Review status: criteria provided, single submitter. Criteria: Invitae Variant Classification Sherloc (09022015). Collection method: clinical testing. Allele origin: germline.
Comment: This sequence change replaces aspartic acid, which is acidic and polar, with histidine, which is basic and polar, at codon 47 of the LMNA protein (p.Asp47His). This variant is not present in population databases (gnomAD no frequency). This missense change has been observed in individual(s) with clinical features of autosomal dominant Emery-Dreifuss muscular dystrophy (PMID: 18564364; internal data). In at least one individual the variant was observed to be de novo. ClinVar contains an entry for this variant (Variation ID: 66822). Invitae Evidence Modeling of protein sequence and biophysical properties (such as structural, functional, and spatial information, amino acid conservation, physicochemical variation, residue mobility, and thermodynamic stability) indicates that this missense variant is expected to disrupt LMNA protein function with a positive predictive value of 95%. Experimental studies have shown that this missense change does not substantially affect LMNA function (PMID: 34862408). For these reasons, this variant has been classified as Pathogenic.

Epithelial Biology;  Institute of Medical Biology, Singapore
No classification provided. Review status: no classification provided. Collection method: not provided. Allele origin: not provided. Not counted in ClinVar's aggregate classification.

Literature cited by the submitters: PubMed 36304657 (cited by Victorian Clinical Genetics Services, Murdoch Childrens Research Institute); PubMed 20301609 (cited by Victorian Clinical Genetics Services, Murdoch Childrens Research Institute); PubMed 28641778 (cited by Victorian Clinical Genetics Services, Murdoch Childrens Research Institute); PubMed 18564364 (cited by Victorian Clinical Genetics Services, Murdoch Childrens Research Institute and Labcorp Genetics (formerly Invitae), Labcorp); PubMed 17612587 (cited by Victorian Clinical Genetics Services, Murdoch Childrens Research Institute); PubMed 26775134 (cited by Victorian Clinical Genetics Services, Murdoch Childrens Research Institute); PubMed 31127727 (cited by Victorian Clinical Genetics Services, Murdoch Childrens Research Institute); PubMed 17377071 (cited by Victorian Clinical Genetics Services, Murdoch Childrens Research Institute); PubMed 34862408 (cited by Labcorp Genetics (formerly Invitae), Labcorp).